The following is an entry in ClinVar:

ClinVar aggregate classification (germline): Uncertain significance. Review status: criteria provided, multiple submitters, no conflicts (2 of 4 stars). 2 submissions from 2 submitters: Uncertain significance (2). Last evaluated 2025-01-15.

Conditions:
Hereditary cancer-predisposing syndrome. Also called: Hereditary neoplastic syndrome; Neoplastic Syndromes, Hereditary; Tumor predisposition; Hereditary Cancer Syndrome. Identifiers: Orphanet 140162, MedGen C0027672, MeSH D009386, MONDO:0015356.
Familial adenomatous polyposis 1 (FAP1). Also called: FAMILIAL ADENOMATOUS POLYPOSIS 1, ATTENUATED; POLYPOSIS, ADENOMATOUS INTESTINAL. Identifiers: MedGen C2713442, MONDO:0021056, OMIM 175100. Disease mechanism: loss of function.

Allele frequency attached by ClinVar (database versions not stated): gnomAD exomes 0.00001.
gnomAD v4.1: 6 of 1,614,166 alleles (0.00037%); highest among the groups gnomAD compares: Non-Finnish European, 0.00051%; no homozygotes.

Submissions (2):

Ambry Genetics
Classification: Uncertain significance for Hereditary cancer-predisposing syndrome. Last evaluated: 2025-01-15. Review status: criteria provided, single submitter. Criteria: Ambry Variant Classification Scheme 2023. Collection method: clinical testing. Allele origin: germline.
Comment: The p.H1092R variant (also known as c.3275A>G), located in coding exon 15 of the APC gene, results from an A to G substitution at nucleotide position 3275. The histidine at codon 1092 is replaced by arginine, an amino acid with highly similar properties. This amino acid position is not well conserved in available vertebrate species. Missense alterations in APC are not a common cause of disease (Spier I et al. Genet Med. 2024 Feb;26(2):100992). In addition, in silico predictors for this gene do not accurately predict pathogenicity. Based on the available evidence, the clinical significance of this variant remains unclear.

Labcorp Genetics (formerly Invitae), Labcorp
Classification: Uncertain significance for Familial adenomatous polyposis 1. Last evaluated: 2021-08-18. Review status: criteria provided, single submitter. Criteria: Invitae Variant Classification Sherloc (09022015). Collection method: clinical testing. Allele origin: germline.
Comment: This sequence change replaces histidine with arginine at codon 1092 of the APC protein (p.His1092Arg). The histidine residue is moderately conserved and there is a small physicochemical difference between histidine and arginine. This variant is not present in population databases (ExAC no frequency). This variant has not been reported in the literature in individuals affected with APC-related conditions. Algorithms developed to predict the effect of missense changes on protein structure and function output the following: SIFT: "Tolerated"; PolyPhen-2: "Benign"; Align-GVGD: "Class C0". The arginine amino acid residue is found in multiple mammalian species, which suggests that this missense change does not adversely affect protein function. In summary, the available evidence is currently insufficient to determine the role of this variant in disease. Therefore, it has been classified as a Variant of Uncertain Significance.

NM_000038.6(APC):c.3275A>G (p.His1092Arg)

Gene: APC (APC regulator of Wnt signaling pathway; plus strand). Cytogenetic location: 5q22.2.
Variant type: single nucleotide variant.
Coding change: c.3275A>G on transcript NM_000038.6 (MANE Select); coding-DNA position 3275, A replaced by G.
Protein change: p.His1092Arg; replaces histidine 1092 with arginine.
Molecular consequence: missense variant.
Genome position (GRCh38, 1-based): chr5:112,838,869, A>G. VCF-style: chr5-112838869-A-G. GRCh37 (hg19) VCF-style: chr5-112174566-A-G.
Other names: c.3275A>G (NM_000038.5); c.3275A>G, p.His1092Arg (NM_001127510.3, NM_001354895.2); c.3221A>G, p.His1074Arg (NM_001127511.3); c.3329A>G, p.His1110Arg (NM_001354896.2); c.3305A>G, p.His1102Arg (NM_001354897.2); c.3200A>G, p.His1067Arg (NM_001354898.2); c.3191A>G, p.His1064Arg (NM_001354899.2); c.3152A>G, p.His1051Arg (NM_001354900.2); and 6 more; short protein forms H1102R, H1110R, H809R, H932R, H966R, H991R, H1001R, H1033R.
Identifiers: ClinVar variation 1003681 (VCV001003681.6), dbSNP rs587779788, ClinGen allele CA16028522.